The following is an entry in ClinVar:

ClinVar aggregate classification (germline): Pathogenic/Likely pathogenic. Review status: criteria provided, multiple submitters, no conflicts (2 of 4 stars). 2 submissions from 2 submitters: Pathogenic (1); Likely pathogenic (1). Last evaluated 2025-03-17.

Conditions:
HPS6-related disorders.

Submissions (2):

Labcorp Genetics (formerly Invitae), Labcorp
Classification: Pathogenic. Last evaluated: 2025-03-17. Review status: criteria provided, single submitter. Criteria: Invitae Variant Classification Sherloc (09022015). Collection method: clinical testing. Allele origin: germline.
Comment: This sequence change creates a premature translational stop signal (p.Arg61*) in the HPS6 gene. While this is not anticipated to result in nonsense mediated decay, it is expected to disrupt the last 715 amino acid(s) of the HPS6 protein. This variant is not present in population databases (gnomAD no frequency). This variant has not been reported in the literature in individuals affected with HPS6-related conditions. ClinVar contains an entry for this variant (Variation ID: 2062597). This variant disrupts a region of the HPS6 protein in which other variant(s) (p.Arg680*) have been determined to be pathogenic (PMID: 27225848). This suggests that this is a clinically significant region of the protein, and that variants that disrupt it are likely to be disease-causing. For these reasons, this variant has been classified as Pathogenic.

Blueprint Genetics
Classification: Likely pathogenic for HPS6-related disorders. Last evaluated: 2022-03-27. Review status: criteria provided, single submitter. Criteria: ACMG Guidelines, 2015. Collection method: clinical testing. Allele origin: germline. Affected: yes. Observed: 2 variant alleles.

Literature cited by the submitters: PubMed 27225848 (cited by Labcorp Genetics (formerly Invitae), Labcorp).

NM_024747.6(HPS6):c.181C>T (p.Arg61Ter)

Genes: HPS6 (HPS6 biogenesis of lysosomal organelles complex 2 subunit 3; plus strand), LOC130004578 (ATAC-STARR-seq lymphoblastoid silent region 2738; plus strand). Cytogenetic location: 10q24.32.
Variant type: single nucleotide variant.
Coding change: c.181C>T on transcript NM_024747.6 (MANE Select); coding-DNA position 181, C replaced by T.
Protein change: p.Arg61Ter; replaces arginine 61 with a stop codon.
Molecular consequence: nonsense.
Genome position (GRCh38, 1-based): chr10:102,065,655, C>T. VCF-style: chr10-102065655-C-T. GRCh37 (hg19) VCF-style: chr10-103825412-C-T.
Other names: short protein forms R61*.
Identifiers: ClinVar variation 2062597 (VCV002062597.5), dbSNP rs1226192640, ClinGen allele CA377855080.